The following is an entry in ClinVar:

NM_005002.5(NDUFA9):c.365A>C (p.His122Pro)

Gene: NDUFA9 (NADH:ubiquinone oxidoreductase subunit A9; plus strand). Cytogenetic location: 12p13.32.
Variant type: single nucleotide variant.
Coding change: c.365A>C on transcript NM_005002.5 (MANE Select); coding-DNA position 365, A replaced by C.
Protein change: p.His122Pro; replaces histidine 122 with proline.
Molecular consequence: missense variant.
Genome position (GRCh38, 1-based): chr12:4,657,794, A>C. VCF-style: chr12-4657794-A-C. GRCh37 (hg19) VCF-style: chr12-4766960-A-C.
Other names: short protein forms H122P.
Identifiers: ClinVar variation 2715962 (VCV002715962.4), dbSNP rs749568258, ClinGen allele CA6398079.

ClinVar aggregate classification (germline): Uncertain significance. Review status: criteria provided, multiple submitters, no conflicts (2 of 4 stars). 2 submissions from 2 submitters: Uncertain significance (2). Last evaluated 2024-02-27.

Conditions:
Inborn genetic diseases. Identifiers: MedGen C0950123, MeSH D030342.

gnomAD v4.1: 17 of 1,613,838 alleles (0.0011%); highest among the groups gnomAD compares: Admixed American, 0.028%; no homozygotes.

Submissions (2):

Ambry Genetics
Classification: Uncertain significance for Inborn genetic diseases. Last evaluated: 2024-02-27. Review status: criteria provided, single submitter. Criteria: Ambry Variant Classification Scheme 2023. Collection method: clinical testing. Allele origin: germline.

Labcorp Genetics (formerly Invitae), Labcorp
Classification: Uncertain significance. Last evaluated: 2022-12-16. Review status: criteria provided, single submitter. Criteria: Invitae Variant Classification Sherloc (09022015). Collection method: clinical testing. Allele origin: germline.
Comment: This variant has not been reported in the literature in individuals affected with NDUFA9-related conditions. Algorithms developed to predict the effect of missense changes on protein structure and function are either unavailable or do not agree on the potential impact of this missense change (SIFT: "Deleterious"; PolyPhen-2: "Probably Damaging"; Align-GVGD: "Class C0"). In summary, the available evidence is currently insufficient to determine the role of this variant in disease. Therefore, it has been classified as a Variant of Uncertain Significance. This sequence change replaces histidine, which is basic and polar, with proline, which is neutral and non-polar, at codon 122 of the NDUFA9 protein (p.His122Pro). This variant is present in population databases (rs749568258, gnomAD 0.04%).